The following is an entry in ClinVar:

NM_000322.5(PRPH2):c.712C>A (p.His238Asn)

Gene: PRPH2 (peripherin 2; minus strand). Cytogenetic location: 6p21.1.
Variant type: single nucleotide variant.
Coding change: c.712C>A on transcript NM_000322.5 (MANE Select); coding-DNA position 712, C replaced by A.
Protein change: p.His238Asn; replaces histidine 238 with asparagine.
Molecular consequence: missense variant.
Genome position (GRCh38, 1-based): chr6:42,704,481, G>T on the plus strand (C>A on the coding strand, the complement: PRPH2 is on the minus strand). VCF-style: chr6-42704481-G-T. GRCh37 (hg19) VCF-style: chr6-42672219-G-T.
Other names: short protein forms H238N.
Identifiers: ClinVar variation 4856864 (VCV004856864.3).
Genomic context (GRCh38, chr6:42,704,481, plus strand): 5'-AGTAGCTCAGCAGGGCAGCCCTGCAGCCACGCACCCACAGGTTGAGCTCCTCCGTCTGGT[G>T]GTCGTAACTGTAGTGTGCTGAGTTGTTGGTGATCTGATACTGGATGCAGGGCCGTGGCGA-3'
Protein context (NP_000313.2, residues 228-248): TNNSAHYSYD[His238Asn]QTEELNLWVR

ClinVar aggregate classification (germline): Uncertain significance. Review status: criteria provided, multiple submitters, no conflicts (2 of 4 stars). 2 submissions from 2 submitters: Uncertain significance (2). Last evaluated 2024-07-09.

Submissions (2):

Dasa
Classification: Uncertain significance. Last evaluated: 2024-07-09. Review status: criteria provided, single submitter. Criteria: DASA Assertion Criteria. Collection method: clinical testing. Allele origin: germline.
Comment: NM_000322.5(PRPH2):c.712C>A (p.His238Asn) is a missense variant that results in the substitution of histidine with asparagine. This variant is absent from population databases. Computational prediction algorithms are consistent with a benign effect. The currently available literature and clinical evidence are not sufficient to establish a definitive association between this variant and the reported condition. Therefore, this variant is classified as a variant of uncertain significance.

Blueprint Genetics
Classification: Uncertain significance. Last evaluated: 2021-03-25. Review status: criteria provided, single submitter. Criteria: ACMG Guidelines, 2015. Collection method: clinical testing. Allele origin: germline.